The following is an entry in ClinVar:

ClinVar aggregate classification (germline): Benign/Likely benign. Review status: criteria provided, multiple submitters, no conflicts (2 of 4 stars). 3 submissions from 3 submitters: Benign (1); Likely benign (2). Last evaluated 2026-01-28.

Conditions:
Autosomal recessive limb-girdle muscular dystrophy type 2Q (LGMDR17). Also called: MUSCULAR DYSTROPHY, LIMB-GIRDLE, AUTOSOMAL RECESSIVE 17. Identifiers: Orphanet 254361, MedGen C3150989, MONDO:0013390, OMIM 613723.
Epidermolysis bullosa simplex 5C, with pyloric atresia (EBS5C). Also called: PLEC1-Related Epidermolysis Bullosa with Pyloric Atresia; PLEC-Related Epidermolysis Bullosa with Pyloric Atresia; Epidermolysis bullosa simplex with pyloric atresia. Identifiers: Orphanet 158684, MedGen C2677349, MONDO:0012807, OMIM 612138.
Epidermolysis bullosa simplex with nail dystrophy (EBS5D). Identifiers: MedGen C4225309, MONDO:0014661, OMIM 616487.
Epidermolysis bullosa simplex, Ogna type (EBS5A). Also called: Pidermolysis bullosa simplex 5A, Ogna type; EPIDERMOLYSIS BULLOSA SIMPLEX 5A, OGNA TYPE. Identifiers: Orphanet 79401, MedGen C0432317, MONDO:0007555, OMIM 131950.
Epidermolysis bullosa simplex 5B, with muscular dystrophy (EBS5B). Also called: Epidermolysis bullosa simplex with muscular dystrophy; EPIDERMOLYSIS BULLOSA SIMPLEX AND LIMB-GIRDLE MUSCULAR DYSTROPHY. Identifiers: Orphanet 257, MedGen C2931072, MONDO:0009181, OMIM 226670.

Allele frequency attached by ClinVar (database versions not stated): ESP Exome Variant Server 0.00033; TOPMed 0.00034; gnomAD 0.00083; 1000 Genomes Project 0.00200; 1000 Genomes Project 30x 0.00234.
gnomAD v4.1: 1,677 of 1,566,916 alleles (0.11%); highest among the groups gnomAD compares: South Asian, 0.44%; 9 homozygotes.

Submissions (3):

Labcorp Genetics (formerly Invitae), Labcorp
Classification: Benign for Autosomal recessive limb-girdle muscular dystrophy type 2Q; Epidermolysis bullosa simplex, Ogna type; Epidermolysis bullosa simplex with nail dystrophy; Epidermolysis bullosa simplex 5C, with pyloric atresia; Epidermolysis bullosa simplex 5B, with muscular dystrophy. Last evaluated: 2026-01-28. Review status: criteria provided, single submitter. Criteria: Invitae Variant Classification Sherloc (09022015). Collection method: clinical testing. Allele origin: germline.

Blueprint Genetics
Classification: Likely benign. Last evaluated: 2024-11-04. Review status: criteria provided, single submitter. Criteria: ACMG Guidelines, 2015. Collection method: clinical testing. Allele origin: germline.

GeneDx
Classification: Likely benign. Last evaluated: 2018-01-12. Review status: criteria provided, single submitter. Criteria: GeneDx Variant Classification (06012015). Collection method: clinical testing. Allele origin: germline. Affected: yes.
Comment: This variant is considered likely benign or benign based on one or more of the following criteria: it is a conservative change, it occurs at a poorly conserved position in the protein, it is predicted to be benign by multiple in silico algorithms, and/or has population frequency not consistent with disease.

NM_201384.3(PLEC):c.2083-20C>T

Gene: PLEC (plectin; minus strand). Cytogenetic location: 8q24.3.
Variant type: single nucleotide variant.
Coding change: c.2083-20C>T on transcript NM_201384.3 (MANE Select); 20 bases into the intron before coding-DNA position 2083, C replaced by T.
Molecular consequence: intron variant.
Genome position (GRCh38, 1-based): chr8:143,932,052, G>A on the plus strand (C>T on the coding strand, the complement: PLEC is on the minus strand). VCF-style: chr8-143932052-G-A. GRCh37 (hg19) VCF-style: chr8-145006220-G-A.
Other names: c.2164-20C>T (NM_000445.5); c.2041-20C>T (NM_201378.4); c.2017-20C>T (NM_201379.3); c.2494-20C>T (NM_201380.4); c.1987-20C>T (NM_201381.3); c.2083-20C>T (NM_201382.4); c.2095-20C>T (NM_201383.3).
Identifiers: ClinVar variation 387332 (VCV000387332.13), dbSNP rs374681191, ClinGen allele CA4927662.